The following is an entry in ClinVar:

ClinVar aggregate classification (germline): Benign/Likely benign. Review status: criteria provided, multiple submitters, no conflicts (2 of 4 stars). 8 submissions from 8 submitters: Benign (3); Likely benign (1). 4 of the submissions do not count toward it. Last evaluated 2026-09-21.

Conditions:
Becker muscular dystrophy (BMD). Also called: MUSCULAR DYSTROPHY, PSEUDOHYPERTROPHIC PROGRESSIVE, BECKER TYPE; Becker Muscular Dystrophy (BMD). Identifiers: Orphanet 98895, MedGen C0917713, MONDO:0010311, OMIM 300376.
Cardiomyopathy (CMYO). Also called: Cardiomyopathies. Identifiers: Orphanet 167848, MedGen C0878544, MONDO:0004994, HP:0001638. Inheritance: Various modes of inheritance.
Dystrophin deficiency.
Duchenne muscular dystrophy (DMD). Also called: MUSCULAR DYSTROPHY, PSEUDOHYPERTROPHIC PROGRESSIVE, DUCHENNE TYPE; Duchenne Muscular Dystrophy (DMD). Identifiers: Orphanet 98896, MedGen C0013264, MONDO:0010679, OMIM 310200.

Submissions (8):

Molecular Diagnostic Laboratory for Inherited Cardiovascular Disease, Montreal Heart Institute
Classification: Benign. Last evaluated: 2026-09-21. Review status: criteria provided, single submitter. Criteria: ACMG Guidelines, 2015. Collection method: clinical testing. Allele origin: germline. Affected: no.

Labcorp Genetics (formerly Invitae), Labcorp
Classification: Benign for Duchenne muscular dystrophy. Last evaluated: 2026-01-25. Review status: criteria provided, single submitter. Criteria: Invitae Variant Classification Sherloc (09022015). Collection method: clinical testing. Allele origin: germline.

Blueprint Genetics
Classification: Likely benign. Last evaluated: 2024-11-28. Review status: criteria provided, single submitter. Criteria: ACMG Guidelines, 2015. Collection method: clinical testing. Allele origin: germline.

GeneDx
Classification: Benign. Last evaluated: 2014-03-07. Review status: criteria provided, single submitter. Criteria: GeneDx Variant Classification (06012015). Collection method: clinical testing. Allele origin: germline. Affected: yes.
Comment: The variant is found in CARDIOMYOPATHY panel(s).

Natera, Inc.
Classification: Benign for Becker muscular dystrophy; Cardiomyopathy; Duchenne muscular dystrophy; Dystrophin deficiency. Last evaluated: 2017-05-15. Review status: no assertion criteria provided. Collection method: clinical testing. Allele origin: germline. Not counted in ClinVar's aggregate classification.

Clinical Genetics, Academic Medical Center
Classification: Benign. Review status: no assertion criteria provided. Collection method: clinical testing. Allele origin: germline. Affected: yes. Study: VKGL Data-share Consensus. Not counted in ClinVar's aggregate classification.

Genome Diagnostics Laboratory, University Medical Center Utrecht
Classification: Benign. Review status: no assertion criteria provided. Collection method: clinical testing. Allele origin: germline. Affected: yes. Study: VKGL Data-share Consensus. Not counted in ClinVar's aggregate classification.

Laboratory of Diagnostic Genome Analysis, Leiden University Medical Center (LUMC)
Classification: Likely benign. Review status: no assertion criteria provided. Collection method: clinical testing. Allele origin: germline. Affected: yes. Study: VKGL Data-share Consensus. Not counted in ClinVar's aggregate classification.

NM_004006.3(DMD):c.3603+15del

Gene: DMD (dystrophin; minus strand). Cytogenetic location: Xp21.1.
Variant type: Deletion.
Coding change: c.3603+15del on transcript NM_004006.3 (MANE Select); 15 bases into the intron after coding-DNA position 3603, one base deleted (A; older notation c.3603+15delA).
Molecular consequence: intron variant.
Genome position (GRCh38, 1-based): chrX:32,454,647, T deleted on the plus strand (A on the coding strand, the reverse complement: DMD is on the minus strand); the first of 13 consecutive T bases (chrX:32,454,647-32,454,659); deleting any one gives the same sequence. VCF-style (leftmost placement, unchanged base first): chrX-32454646-CT-C. GRCh37 (hg19) VCF-style: chrX-32472763-CT-C.
Other names: c.3579+15del (NM_000109.4); c.3591+15del (NM_004009.3); c.3234+15del (NM_004010.3); c.3603+15del (NM_004006.2); c.3603+3delA (NM_004006.2).
Identifiers: ClinVar variation 94599 (VCV000094599.15), dbSNP rs5902031, ClinGen allele CA285557.
Genomic context (GRCh38, chrX:32,454,646, plus strand): 5'-TTCAAGCATTGTTGCATTTCTTTCTTTTTCCATTTATTTCCTTTGTTTTACTTAGTTTTT[CT>C]TTTTTTTTTTTTACCTTCATCTCTTCAACTGCTTTCTGTAATTCATCTGGAGTTTTATAT-3'